The following is an entry in ClinVar:

ClinVar aggregate classification (germline): Uncertain significance (1 of 4 stars; one submission).

Conditions:
Intellectual developmental disorder with seizures and language delay (IDDSELD). Identifiers: MedGen C5436574, MONDO:0033559, OMIM 619000.

Submission:

Juno Genomics, Hangzhou Juno Genomics, Inc
Classification: Uncertain significance for Intellectual developmental disorder with seizures and language delay. Review status: criteria provided, single submitter. Criteria: ACMG Guidelines, 2015. Collection method: clinical testing. Allele origin: germline.
Comment: Absent from controls (or at extremely low frequency if recessive) in Genome Aggregation Database.;Protein length changes due to in-frame deletions/insertions in a non-repeat region or stop-loss variants.

NM_001353345.2(SETD1B):c.1418_1423del (p.Ser473_Glu475delinsLys)

Gene: SETD1B (SET domain containing 1B, histone lysine methyltransferase; plus strand). Cytogenetic location: 12q24.31.
Variant type: Deletion.
Coding change: c.1418_1423del on transcript NM_001353345.2 (MANE Select); coding-DNA positions 1418 to 1423, 6 bases deleted (GTCCTG; older notation c.1418_1423delGTCCTG).
Protein change: p.Ser473_Glu475delinsLys.
Molecular consequence: inframe indel.
Genome position (GRCh38, 1-based): chr12:121,810,363-121,810,368, GTCCTG deleted. VCF-style (leftmost placement, unchanged base first): chr12-121810362-AGTCCTG-A. GRCh37 (hg19) VCF-style: chr12-122248268-AGTCCTG-A.
Identifiers: ClinVar variation 5005049 (VCV005005049.2).